The following is an entry in ClinVar:

NM_138295.5(PKD1L1):c.7687-10G>C

Genes: PKD1L1 (polycystin 1 like 1, transient receptor potential channel interacting; minus strand), PKD1L1-AS1 (PKD1L1 antisense RNA 1; plus strand). Cytogenetic location: 7p12.3.
Variant type: single nucleotide variant.
Coding change: c.7687-10G>C on transcript NM_138295.5 (MANE Select); 10 bases into the intron before coding-DNA position 7687, G replaced by C.
Molecular consequence: intron variant.
Genome position (GRCh38, 1-based): chr7:47,808,397, C>G on the plus strand (G>C on the coding strand, the complement: PKD1L1 is on the minus strand). VCF-style: chr7-47808397-C-G. GRCh37 (hg19) VCF-style: chr7-47847995-C-G.
Identifiers: ClinVar variation 3032950 (VCV003032950.2), dbSNP rs769707594, ClinGen allele CA158083900.
Genomic context (GRCh38, chr7:47,808,397, plus strand): 5'-AAGGTGGCCGGAAACTGCATAGTAGGTGAGGCTCACTCCAACCACGGAGAGCTGGAACAT[C>G]CAAGAGAAAGGCCCTCAGATGGCTCCTGAGGAAGGGCTTACCTGGCACCCCATGTGACAC-3'

ClinVar aggregate classification (germline): Likely benign (0 of 4 stars; one submission).

Conditions:
PKD1L1-related disorder. Also called: PKD1L1-related condition.

Allele frequency attached by ClinVar (database versions not stated): gnomAD exomes below 0.00001; gnomAD 0.00003.
gnomAD v4.1: 5 of 1,613,678 alleles (0.00031%); highest among the groups gnomAD compares: African/African-American, 0.0053%; no homozygotes.

Submission:

PreventionGenetics, part of Exact Sciences
Classification: Likely benign for PKD1L1-related condition. Last evaluated: 2023-03-09. Review status: no assertion criteria provided. Collection method: clinical testing. Allele origin: germline.
Comment: This variant is classified as likely benign based on ACMG/AMP sequence variant interpretation guidelines (Richards et al. 2015 PMID: 25741868, with internal and published modifications).